The following is an entry in ClinVar:

NM_005876.5(SPEG):c.4365C>G (p.Ser1455Arg)

Gene: SPEG (striated muscle enriched protein kinase; plus strand). Cytogenetic location: 2q35.
Variant type: single nucleotide variant.
Coding change: c.4365C>G on transcript NM_005876.5 (MANE Select); coding-DNA position 4365, C replaced by G.
Protein change: p.Ser1455Arg; replaces serine 1455 with arginine.
Molecular consequence: missense variant.
Genome position (GRCh38, 1-based): chr2:219,473,821, C>G. VCF-style: chr2-219473821-C-G. GRCh37 (hg19) VCF-style: chr2-220338543-C-G.
Other names: short protein forms S1455R.
Identifiers: ClinVar variation 1345954 (VCV001345954.8), dbSNP rs1692104491, ClinGen allele CA350678372.

ClinVar aggregate classification (germline): Uncertain significance (1 of 4 stars; one submission).

Allele frequency attached by ClinVar (database versions not stated): gnomAD exomes below 0.00001.
gnomAD v4.1: 1 of 1,613,870 alleles (0.000062%); highest among the groups gnomAD compares: Admixed American, 0.0017%; no homozygotes.

Submission:

Labcorp Genetics (formerly Invitae), Labcorp
Classification: Uncertain significance. Last evaluated: 2022-08-15. Review status: criteria provided, single submitter. Criteria: Invitae Variant Classification Sherloc (09022015). Collection method: clinical testing. Allele origin: germline.
Comment: This sequence change replaces serine, which is neutral and polar, with arginine, which is basic and polar, at codon 1455 of the SPEG protein (p.Ser1455Arg). This variant is not present in population databases (gnomAD no frequency). This variant has not been reported in the literature in individuals affected with SPEG-related conditions. ClinVar contains an entry for this variant (Variation ID: 1345954). Algorithms developed to predict the effect of missense changes on protein structure and function (SIFT, PolyPhen-2, Align-GVGD) all suggest that this variant is likely to be tolerated. In summary, the available evidence is currently insufficient to determine the role of this variant in disease. Therefore, it has been classified as a Variant of Uncertain Significance.